The following is an entry in ClinVar:

ClinVar aggregate classification (germline): Uncertain significance (1 of 4 stars; one submission).

Conditions:
Wilms tumor 1 (WT1). Also called: Wilms tumor, somatic. Identifiers: Orphanet 654, MedGen CN033288, MONDO:0008679, OMIM 194070.
Drash syndrome (DDS). Also called: NEPHROPATHY, WILMS TUMOR, AND GENITAL ANOMALIES; WILMS TUMOR AND PSEUDO- OR TRUE HERMAPHRODITISM. Identifiers: Orphanet 220, MedGen C0950121, MONDO:0008682, OMIM 194080.
11p partial monosomy syndrome (WAGR). Also called: WAGR Spectrum Disorder; CHROMOSOME 11p13 DELETION SYNDROME; WAGR syndrome; WAGR Complex. Identifiers: Orphanet 893, MedGen C0206115, MONDO:0008681, OMIM 194072.
Frasier syndrome. Identifiers: Orphanet 347, MedGen C0950122, MeSH D052159, MONDO:0007635, OMIM 136680.

gnomAD v4.1: 1 of 1,612,458 alleles (0.000062%); highest among the groups gnomAD compares: African/African-American, 0.0013%; no homozygotes.

Submission:

Labcorp Genetics (formerly Invitae), Labcorp
Classification: Uncertain significance for Wilms tumor 1; Drash syndrome; 11p partial monosomy syndrome; Frasier syndrome. Last evaluated: 2024-08-19. Review status: criteria provided, single submitter. Criteria: Invitae Variant Classification Sherloc (09022015). Collection method: clinical testing. Allele origin: germline.
Comment: This sequence change replaces serine, which is neutral and polar, with threonine, which is neutral and polar, at codon 158 of the WT1 protein (p.Ser158Thr). This variant is not present in population databases (gnomAD no frequency). This variant has not been reported in the literature in individuals affected with WT1-related conditions. An algorithm developed to predict the effect of missense changes on protein structure and function (PolyPhen-2) suggests that this variant is likely to be disruptive. In summary, the available evidence is currently insufficient to determine the role of this variant in disease. Therefore, it has been classified as a Variant of Uncertain Significance.

NM_024426.6(WT1):c.488G>C (p.Ser163Thr)

Genes: WT1 (WT1 transcription factor; minus strand), LOC107982234 (WT1/WT1-AS bi-directional promoter region; plus strand). Cytogenetic location: 11p13.
Variant type: single nucleotide variant.
Coding change: c.488G>C on transcript NM_024426.6 (MANE Select); coding-DNA position 488, G replaced by C.
Protein change: p.Ser163Thr; replaces serine 163 with threonine.
Molecular consequence: missense variant. On other transcripts: non-coding transcript variant (2).
Genome position (GRCh38, 1-based): chr11:32,434,873, C>G on the plus strand (G>C on the coding strand, the complement: WT1 is on the minus strand). VCF-style: chr11-32434873-C-G. GRCh37 (hg19) VCF-style: chr11-32456419-C-G.
Other names: c.488G>C, p.Ser163Thr (NM_000378.6, NM_001407044.1, NM_001407045.1 and 6 more transcripts); c.269G>C, p.Ser90Thr (NM_001429031.1, NM_001429032.1, NM_001429033.1 and 1 more transcripts); short protein forms S158T, S163T, S90T.
Identifiers: ClinVar variation 3757731 (VCV003757731.2).